The following is an entry in ClinVar:

NM_020832.3(ZNF687):c.2620C>G (p.Leu874Val)

Gene: ZNF687 (zinc finger protein 687; plus strand). Cytogenetic location: 1q21.3.
Variant type: single nucleotide variant.
Coding change: c.2620C>G on transcript NM_020832.3 (MANE Select); coding-DNA position 2620, C replaced by G.
Protein change: p.Leu874Val; replaces leucine 874 with valine.
Molecular consequence: missense variant.
Genome position (GRCh38, 1-based): chr1:151,289,526, C>G. VCF-style: chr1-151289526-C-G. GRCh37 (hg19) VCF-style: chr1-151262002-C-G.
Other names: c.2620C>G, p.Leu874Val (NM_001304763.2, NM_001304764.2); short protein forms L874V.
Identifiers: ClinVar variation 2974495 (VCV002974495.3), dbSNP rs2528528514, ClinGen allele CA341952773.

ClinVar aggregate classification (germline): Uncertain significance (1 of 4 stars; one submission).

Submission:

Labcorp Genetics (formerly Invitae), Labcorp
Classification: Uncertain significance. Last evaluated: 2023-10-16. Review status: criteria provided, single submitter. Criteria: Invitae Variant Classification Sherloc (09022015). Collection method: clinical testing. Allele origin: germline.
Comment: This sequence change replaces leucine, which is neutral and non-polar, with valine, which is neutral and non-polar, at codon 874 of the ZNF687 protein (p.Leu874Val). This variant is not present in population databases (gnomAD no frequency). This variant has not been reported in the literature in individuals affected with ZNF687-related conditions. An algorithm developed to predict the effect of missense changes on protein structure and function (PolyPhen-2) suggests that this variant is likely to be disruptive. In summary, the available evidence is currently insufficient to determine the role of this variant in disease. Therefore, it has been classified as a Variant of Uncertain Significance.